The following is an entry in ClinVar:

NM_024675.4(PALB2):c.3458C>T (p.Pro1153Leu)

Gene: PALB2 (partner and localizer of BRCA2; minus strand). Cytogenetic location: 16p12.2.
Variant type: single nucleotide variant.
Coding change: c.3458C>T on transcript NM_024675.4 (MANE Select); coding-DNA position 3458, C replaced by T.
Protein change: p.Pro1153Leu; replaces proline 1153 with leucine.
Molecular consequence: missense variant.
Genome position (GRCh38, 1-based): chr16:23,603,562, G>A on the plus strand (C>T on the coding strand, the complement: PALB2 is on the minus strand). VCF-style: chr16-23603562-G-A. GRCh37 (hg19) VCF-style: chr16-23614883-G-A.
Other names: short protein forms P1153L.
Identifiers: ClinVar variation 628354 (VCV000628354.17), dbSNP rs1567205039, ClinGen allele CA395138069.
Genomic context (GRCh38, chr16:23,603,562, plus strand): 5'-GCCAGCAAATGAGAGTCTGTACCCGACCATTTCACAAAAGACCAATGTTGGTCAGAGACA[G>A]GTGGGAGGAGGGCAGTACACTGACCGAGAAGTAAGTCCCAAATGGCAATTGTTCCAGAAG-3'
Protein context (NP_078951.2, residues 1143-1163): LLGQCTALLP[Pro1153Leu]VSDQHWSFVK

ClinVar aggregate classification (germline): Uncertain significance. Review status: criteria provided, multiple submitters, no conflicts (2 of 4 stars). 4 submissions from 4 submitters: Uncertain significance (4). Last evaluated 2025-03-04.

Conditions:
Hereditary cancer-predisposing syndrome. Also called: Neoplastic Syndromes, Hereditary; Tumor predisposition; Hereditary neoplastic syndrome; Hereditary Cancer Syndrome. Identifiers: Orphanet 140162, MedGen C0027672, MeSH D009386, MONDO:0015356.
Familial cancer of breast. Also called: BREAST CANCER, FAMILIAL; Hereditary breast cancer; hereditary breast carcinoma. Identifiers: Orphanet 227535, MedGen C0346153, MONDO:0016419, OMIM 114480. Disease mechanism: loss of function.

Submissions (4):

Center for Genomic Medicine, Rigshospitalet, Copenhagen University Hospital
Classification: Uncertain significance. Last evaluated: 2025-03-04. Review status: criteria provided, single submitter. Criteria: ACMG Guidelines, 2015. Collection method: clinical testing. Allele origin: germline.

Ambry Genetics
Classification: Uncertain significance for Hereditary cancer-predisposing syndrome. Last evaluated: 2024-09-02. Review status: criteria provided, single submitter. Criteria: Ambry Variant Classification Scheme 2023. Collection method: clinical testing. Allele origin: germline.
Comment: The p.P1153L variant (also known as c.3458C>T), located in coding exon 13 of the PALB2 gene, results from a C to T substitution at nucleotide position 3458. The proline at codon 1153 is replaced by leucine, an amino acid with similar properties. This amino acid position is conserved. In addition, this alteration is predicted to be tolerated by in silico analysis. Based on the available evidence, the clinical significance of this variant remains unclear.

Color Diagnostics, LLC DBA Color Health
Classification: Uncertain significance for Hereditary cancer-predisposing syndrome. Last evaluated: 2023-12-05. Review status: criteria provided, single submitter. Criteria: ACMG Guidelines, 2015. Collection method: clinical testing. Allele origin: germline.
Comment: This missense variant replaces proline with leucine at codon 1153 of the PALB2 protein. Computational prediction suggests that this variant may not impact protein structure and function (internally defined REVEL score threshold <= 0.5, PMID: 27666373). To our knowledge, functional studies have not been reported for this variant. This variant has not been reported in individuals affected with PALB2-related disorders in the literature. This variant has not been identified in the general population by the Genome Aggregation Database (gnomAD). The available evidence is insufficient to determine the role of this variant in disease conclusively. Therefore, this variant is classified as a Variant of Uncertain Significance.

Labcorp Genetics (formerly Invitae), Labcorp
Classification: Uncertain significance for Familial cancer of breast. Last evaluated: 2021-01-30. Review status: criteria provided, single submitter. Criteria: Invitae Variant Classification Sherloc (09022015). Collection method: clinical testing. Allele origin: germline.
Comment: This variant is not present in population databases (ExAC no frequency). This sequence change replaces proline with leucine at codon 1153 of the PALB2 protein (p.Pro1153Leu). The proline residue is highly conserved and there is a moderate physicochemical difference between proline and leucine. This variant has not been reported in the literature in individuals with PALB2-related conditions. ClinVar contains an entry for this variant (Variation ID: 628354). In summary, the available evidence is currently insufficient to determine the role of this variant in disease. Therefore, it has been classified as a Variant of Uncertain Significance. Algorithms developed to predict the effect of missense changes on protein structure and function are either unavailable or do not agree on the potential impact of this missense change (SIFT: "Deleterious"; PolyPhen-2: "Probably Damaging"; Align-GVGD: "Class C0").